The following is an entry in ClinVar:

ClinVar aggregate classification (germline): Pathogenic (1 of 4 stars; one submission).

Allele frequency attached by ClinVar (database versions not stated): gnomAD exomes below 0.00001.

Submission:

Labcorp Genetics (formerly Invitae), Labcorp
Classification: Pathogenic. Last evaluated: 2022-03-20. Review status: criteria provided, single submitter. Criteria: Invitae Variant Classification Sherloc (09022015). Collection method: clinical testing. Allele origin: germline.
Comment: For these reasons, this variant has been classified as Pathogenic. This variant disrupts the p.Cys205 amino acid residue in ABCA4. Other variant(s) that disrupt this residue have been determined to be pathogenic (PMID: 28559085, 30902645). This suggests that this residue is clinically significant, and that variants that disrupt this residue are likely to be disease-causing. Advanced modeling of protein sequence and biophysical properties (such as structural, functional, and spatial information, amino acid conservation, physicochemical variation, residue mobility, and thermodynamic stability) performed at Invitae indicates that this missense variant is expected to disrupt ABCA4 protein function. This missense change has been observed in individual(s) with Stargardt disease (Invitae). This variant is not present in population databases (gnomAD no frequency). This sequence change replaces cysteine, which is neutral and slightly polar, with arginine, which is basic and polar, at codon 205 of the ABCA4 protein (p.Cys205Arg).

Literature cited by the submitters: PubMed 28559085; PubMed 30902645.

NM_000350.3(ABCA4):c.613T>C (p.Cys205Arg)

Gene: ABCA4 (ATP binding cassette subfamily A member 4; minus strand). Cytogenetic location: 1p22.1.
Variant type: single nucleotide variant.
Coding change: c.613T>C on transcript NM_000350.3 (MANE Select); coding-DNA position 613, T replaced by C.
Protein change: p.Cys205Arg; replaces cysteine 205 with arginine.
Molecular consequence: missense variant.
Genome position (GRCh38, 1-based): chr1:94,098,949, A>G on the plus strand (T>C on the coding strand, the complement: ABCA4 is on the minus strand). VCF-style: chr1-94098949-A-G. GRCh37 (hg19) VCF-style: chr1-94564505-A-G.
Other names: c.613T>C, p.Cys205Arg (NM_001425324.1); short protein forms C205R.
Identifiers: ClinVar variation 2111369 (VCV002111369.4), dbSNP rs2523966504, ClinGen allele CA341289715.